The following is an entry in ClinVar:

ClinVar aggregate classification (germline): Benign/Likely benign. Review status: criteria provided, multiple submitters, no conflicts (2 of 4 stars). 3 submissions from 3 submitters: Benign (1); Likely benign (2). Last evaluated 2025-11-11.

Conditions:
Cardiovascular phenotype. Identifiers: MedGen CN230736.
Naxos disease (NXD). Also called: PALMOPLANTAR KERATODERMA WITH ARRHYTHMOGENIC RIGHT VENTRICULAR CARDIOMYOPATHY AND WOOLLY HAIR; WOOLLY HAIR, PALMOPLANTAR KERATODERMA, AND CARDIAC ABNORMALITIES; KERATOSIS PALMOPLANTARIS WITH ARRHYTHMOGENIC CARDIOMYOPATHY; MAL DE NAXOS; CARDIOMYOPATHY, ARRHYTHMOGENIC RIGHT VENTRICULAR, WITH SKIN, HAIR, AND NAIL ABNORMALITIES. Identifiers: Orphanet 34217, MedGen C1832600, MONDO:0011017, OMIM 601214.
Arrhythmogenic right ventricular dysplasia 12. Also called: ARRHYTHMOGENIC RIGHT VENTRICULAR DYSPLASIA, FAMILIAL, 12. Identifiers: MedGen C1969081, MONDO:0012684, OMIM 611528.

Allele frequency attached by ClinVar (database versions not stated): 1000 Genomes Project 30x 0.00016; 1000 Genomes Project 0.00020.
gnomAD v4.1: 43 of 1,612,626 alleles (0.0027%); highest among the groups gnomAD compares: Middle Eastern, 0.017%; no homozygotes.

Submissions (3):

Labcorp Genetics (formerly Invitae), Labcorp
Classification: Likely benign for Arrhythmogenic right ventricular dysplasia 12; Naxos disease. Last evaluated: 2025-11-11. Review status: criteria provided, single submitter. Criteria: Invitae Variant Classification Sherloc (09022015). Collection method: clinical testing. Allele origin: germline.

Ambry Genetics
Classification: Likely benign for Cardiovascular phenotype. Last evaluated: 2020-03-25. Review status: criteria provided, single submitter. Criteria: Ambry Variant Classification Scheme 2023. Collection method: clinical testing. Allele origin: germline.

GeneDx
Classification: Benign. Last evaluated: 2017-07-17. Review status: criteria provided, single submitter. Criteria: GeneDx Variant Classification (06012015). Collection method: clinical testing. Allele origin: germline. Affected: yes.
Comment: This variant is considered likely benign or benign based on one or more of the following criteria: it is a conservative change, it occurs at a poorly conserved position in the protein, it is predicted to be benign by multiple in silico algorithms, and/or has population frequency not consistent with disease.

NM_002230.4(JUP):c.375G>A (p.Ser125=)

Gene: JUP (junction plakoglobin; minus strand). Cytogenetic location: 17q21.2.
Variant type: single nucleotide variant.
Coding change: c.375G>A on transcript NM_002230.4 (MANE Select); coding-DNA position 375, G replaced by A.
Protein change: p.Ser125=; no amino-acid change (serine 125 retained).
Molecular consequence: synonymous variant.
Genome position (GRCh38, 1-based): chr17:41,769,511, C>T on the plus strand (G>A on the coding strand, the complement: JUP is on the minus strand). VCF-style: chr17-41769511-C-T. GRCh37 (hg19) VCF-style: chr17-39925763-C-T.
Other names: c.375G>A, p.Ser125= (NM_001352773.2, NM_001352774.2, NM_001352775.2 and 3 more transcripts).
Identifiers: ClinVar variation 516122 (VCV000516122.12), dbSNP rs111344340, ClinGen allele CA8565509.